The following is an entry in ClinVar:

ClinVar aggregate classification (germline): Uncertain significance (1 of 4 stars; one submission).

Allele frequency attached by ClinVar (database versions not stated): gnomAD 0.00001.

Submission:

Ambry Genetics
Classification: Uncertain significance. Last evaluated: 2025-11-22. Review status: criteria provided, single submitter. Criteria: Ambry Variant Classification Scheme 2023. Collection method: clinical testing. Allele origin: germline.
Comment: The p.T908N variant (also known as c.2723C>A), located in coding exon 17 of the MYOM1 gene, results from a C to A substitution at nucleotide position 2723. The threonine at codon 908 is replaced by asparagine, an amino acid with similar properties. This amino acid position is conserved. In addition, this alteration is predicted to be tolerated by in silico analysis. Since supporting evidence is limited at this time, the clinical significance of this alteration remains unclear.

NM_003803.4(MYOM1):c.2723C>A (p.Thr908Asn)

Gene: MYOM1 (myomesin 1; minus strand). Cytogenetic location: 18p11.31.
Variant type: single nucleotide variant.
Coding change: c.2723C>A on transcript NM_003803.4 (MANE Select); coding-DNA position 2723, C replaced by A.
Protein change: p.Thr908Asn; replaces threonine 908 with asparagine.
Molecular consequence: missense variant. On other transcripts: intron variant (1).
Genome position (GRCh38, 1-based): chr18:3,129,303, G>T on the plus strand (C>A on the coding strand, the complement: MYOM1 is on the minus strand). VCF-style: chr18-3129303-G-T. GRCh37 (hg19) VCF-style: chr18-3129301-G-T.
Other names: c.2506+2072C>A (NM_019856.2); short protein forms T908N.
Identifiers: ClinVar variation 1795212 (VCV001795212.3), dbSNP rs758547005, ClinGen allele CA295515457.